The following is an entry in ClinVar:

ClinVar aggregate classification (germline): Uncertain significance (1 of 4 stars; one submission).

Conditions:
Hereditary cancer-predisposing syndrome. Also called: Neoplastic Syndromes, Hereditary; Tumor predisposition; Hereditary Cancer Syndrome; Hereditary neoplastic syndrome. Identifiers: Orphanet 140162, MedGen C0027672, MeSH D009386, MONDO:0015356.

Submission:

Color Diagnostics, LLC DBA Color Health
Classification: Uncertain significance for Hereditary cancer-predisposing syndrome. Last evaluated: 2024-06-12. Review status: criteria provided, single submitter. Criteria: ACMG Guidelines, 2015. Collection method: clinical testing. Allele origin: germline.
Comment: This missense variant replaces glutamine with proline at codon 341 of the APC protein. Computational prediction suggests that this variant may not impact protein structure and function (internally defined REVEL score threshold <= 0.5, PMID: 27666373). To our knowledge, functional studies have not been reported for this variant. This variant has not been reported in individuals affected with APC-related disorders in the literature. This variant has not been identified in the general population by the Genome Aggregation Database (gnomAD). The available evidence is insufficient to determine the role of this variant in disease conclusively. Therefore, this variant is classified as a Variant of Uncertain Significance.

NM_000038.6(APC):c.1022A>C (p.Gln341Pro)

Gene: APC (APC regulator of Wnt signaling pathway; plus strand). Cytogenetic location: 5q22.2.
Variant type: single nucleotide variant.
Coding change: c.1022A>C on transcript NM_000038.6 (MANE Select); coding-DNA position 1022, A replaced by C.
Protein change: p.Gln341Pro; replaces glutamine 341 with proline.
Molecular consequence: missense variant. On other transcripts: non-coding transcript variant (2), intron variant (15).
Genome position (GRCh38, 1-based): chr5:112,819,054, A>C. VCF-style: chr5-112819054-A-C. GRCh37 (hg19) VCF-style: chr5-112154751-A-C.
Other names: c.1022A>C, p.Gln341Pro (NM_001127510.3, NM_001354895.2, NM_001354896.2 and 4 more transcripts); c.968A>C, p.Gln323Pro (NM_001127511.3); c.1052A>C, p.Gln351Pro (NM_001354897.2, NM_001407446.1); c.947A>C, p.Gln316Pro (NM_001354898.2, NM_001407451.1); c.938A>C, p.Gln313Pro (NM_001354899.2, NM_001407452.1); c.845A>C, p.Gln282Pro (NM_001354900.2, NM_001354901.2, NM_001407453.1); c.173A>C, p.Gln58Pro (NM_001354906.2, NM_001407470.1); c.85-215A>C (NM_001407472.1, NM_001407471.1); and 5 more; short protein forms Q282P, Q313P, Q316P, Q323P, Q341P, Q351P, Q58P.
Identifiers: ClinVar variation 3893958 (VCV003893958.1).